The following is an entry in ClinVar:

ClinVar aggregate classification (germline): Uncertain significance (1 of 4 stars; one submission).

Allele frequency attached by ClinVar (database versions not stated): gnomAD exomes below 0.00001; ExAC 0.00001.
gnomAD v4.1: 2 of 1,614,090 alleles (0.00012%); highest among the groups gnomAD compares: Non-Finnish European, 0.00017%; no homozygotes.

Submission:

Labcorp Genetics (formerly Invitae), Labcorp
Classification: Uncertain significance. Last evaluated: 2023-08-07. Review status: criteria provided, single submitter. Criteria: Invitae Variant Classification Sherloc (09022015). Collection method: clinical testing. Allele origin: germline.
Comment: In summary, the available evidence is currently insufficient to determine the role of this variant in disease. Therefore, it has been classified as a Variant of Uncertain Significance. An algorithm developed to predict the effect of missense changes on protein structure and function (PolyPhen-2) suggests that this variant is likely to be disruptive. This variant has not been reported in the literature in individuals affected with CDAN1-related conditions. This variant is not present in population databases (gnomAD no frequency). This sequence change replaces proline, which is neutral and non-polar, with serine, which is neutral and polar, at codon 268 of the CDAN1 protein (p.Pro268Ser).

NM_138477.4(CDAN1):c.802C>T (p.Pro268Ser)

Gene: CDAN1 (codanin 1; minus strand). Cytogenetic location: 15q15.2.
Variant type: single nucleotide variant.
Coding change: c.802C>T on transcript NM_138477.4 (MANE Select); coding-DNA position 802, C replaced by T.
Protein change: p.Pro268Ser; replaces proline 268 with serine.
Molecular consequence: missense variant.
Genome position (GRCh38, 1-based): chr15:42,735,651, G>A on the plus strand (C>T on the coding strand, the complement: CDAN1 is on the minus strand). VCF-style: chr15-42735651-G-A. GRCh37 (hg19) VCF-style: chr15-43027849-G-A.
Other names: short protein forms P268S.
Identifiers: ClinVar variation 3002320 (VCV003002320.3), dbSNP rs759337775, ClinGen allele CA7516267.